The following is an entry in ClinVar:

ClinVar aggregate classification (germline): Uncertain significance (1 of 4 stars; one submission).

Conditions:
Alstrom syndrome (ALMS). Identifiers: Orphanet 64, MedGen C0268425, MONDO:0008763, OMIM 203800.

Submission:

Labcorp Genetics (formerly Invitae), Labcorp
Classification: Uncertain significance for Alstrom syndrome. Last evaluated: 2021-03-21. Review status: criteria provided, single submitter. Criteria: Invitae Variant Classification Sherloc (09022015). Collection method: clinical testing. Allele origin: germline.
Comment: In summary, the available evidence is currently insufficient to determine the role of this variant in disease. Therefore, it has been classified as a Variant of Uncertain Significance. Experimental studies and prediction algorithms are not available or were not evaluated, and the functional significance of this variant is currently unknown. This variant has not been reported in the literature in individuals with ALMS1-related conditions. This variant is not present in population databases (ExAC no frequency). This sequence change replaces proline with glutamine at codon 805 of the ALMS1 protein (p.Pro805Gln). The proline residue is weakly conserved and there is a moderate physicochemical difference between proline and glutamine.

NM_001378454.1(ALMS1):c.2411C>A (p.Pro804Gln)

Gene: ALMS1 (ALMS1 centrosome and basal body associated protein; plus strand). Cytogenetic location: 2p13.1.
Variant type: single nucleotide variant.
Coding change: c.2411C>A on transcript NM_001378454.1 (MANE Select); coding-DNA position 2411, C replaced by A.
Protein change: p.Pro804Gln; replaces proline 804 with glutamine.
Molecular consequence: missense variant.
Genome position (GRCh38, 1-based): chr2:73,448,938, C>A. VCF-style: chr2-73448938-C-A. GRCh37 (hg19) VCF-style: chr2-73676065-C-A.
Other names: c.2414C>A, p.Pro805Gln (NM_015120.4); short protein forms P804Q, P805Q.
Identifiers: ClinVar variation 1518012 (VCV001518012.6), dbSNP rs2103775015, ClinGen allele CA347269987.